The following is an entry in ClinVar:

NM_003982.4(SLC7A7):c.181G>A (p.Gly61Ser)

Gene: SLC7A7 (solute carrier family 7 member 7; minus strand). Cytogenetic location: 14q11.2.
Variant type: single nucleotide variant.
Coding change: c.181G>A on transcript NM_003982.4 (MANE Select); coding-DNA position 181, G replaced by A.
Protein change: p.Gly61Ser; replaces glycine 61 with serine.
Molecular consequence: missense variant.
Genome position (GRCh38, 1-based): chr14:22,813,218, C>T on the plus strand (G>A on the coding strand, the complement: SLC7A7 is on the minus strand). VCF-style: chr14-22813218-C-T. GRCh37 (hg19) VCF-style: chr14-23282427-C-T.
Other names: c.181G>A, p.Gly61Ser (NM_001126105.3, NM_001126106.4); short protein forms G61S.
Identifiers: ClinVar variation 2178714 (VCV002178714.1), dbSNP rs1440128588, ClinGen allele CA388922723.

ClinVar aggregate classification (germline): Uncertain significance (1 of 4 stars; one submission).

Conditions:
Lysinuric protein intolerance (LPI). Identifiers: Orphanet 470, MedGen C0268647, MONDO:0009109, OMIM 222700.

Allele frequency attached by ClinVar (database versions not stated): gnomAD exomes below 0.00001; TOPMed below 0.00001; gnomAD 0.00001.
gnomAD v4.1: 3 of 1,613,858 alleles (0.00019%); highest among the groups gnomAD compares: Non-Finnish European, 0.00025%; no homozygotes.

Submission:

Labcorp Genetics (formerly Invitae), Labcorp
Classification: Uncertain significance for Lysinuric protein intolerance. Last evaluated: 2022-04-19. Review status: criteria provided, single submitter. Criteria: Invitae Variant Classification Sherloc (09022015). Collection method: clinical testing. Allele origin: germline.
Comment: This sequence change replaces glycine, which is neutral and non-polar, with serine, which is neutral and polar, at codon 61 of the SLC7A7 protein (p.Gly61Ser). This variant is not present in population databases (gnomAD no frequency). This variant has not been reported in the literature in individuals affected with SLC7A7-related conditions. Algorithms developed to predict the effect of missense changes on protein structure and function are either unavailable or do not agree on the potential impact of this missense change (SIFT: "Tolerated"; PolyPhen-2: "Probably Damaging"; Align-GVGD: "Class C0"). In summary, the available evidence is currently insufficient to determine the role of this variant in disease. Therefore, it has been classified as a Variant of Uncertain Significance.